The following is an entry in ClinVar:

NM_002334.4(LRP4):c.4432G>C (p.Val1478Leu)

Genes: LRP4 (LDL receptor related protein 4; minus strand), LRP4-AS1 (LRP4 antisense RNA 1; plus strand). Cytogenetic location: 11p11.2.
Variant type: single nucleotide variant.
Coding change: c.4432G>C on transcript NM_002334.4 (MANE Select); coding-DNA position 4432, G replaced by C.
Protein change: p.Val1478Leu; replaces valine 1478 with leucine.
Molecular consequence: missense variant. On other transcripts: non-coding transcript variant (1).
Genome position (GRCh38, 1-based): chr11:46,873,391, C>G on the plus strand (G>C on the coding strand, the complement: LRP4 is on the minus strand). VCF-style: chr11-46873391-C-G. GRCh37 (hg19) VCF-style: chr11-46894942-C-G.
Other names: p.Val1478Leu; short protein forms V1478L.
Identifiers: ClinVar variation 1382619 (VCV001382619.7), dbSNP rs764880010, ClinGen allele CA5969342.

ClinVar aggregate classification (germline): Uncertain significance. Review status: criteria provided, multiple submitters, no conflicts (2 of 4 stars). 2 submissions from 2 submitters: Uncertain significance (2). Last evaluated 2025-08-16.

Conditions:
Cenani-Lenz syndactyly syndrome. Also called: SYNDACTYLY, TYPE VII; CENANI SYNDACTYLISM. Identifiers: Orphanet 3258, MedGen C1859309, MONDO:0008931, OMIM 212780.
Sclerosteosis 2 (SOST2). Identifiers: Orphanet 3152, MedGen C3280402, MONDO:0013679, OMIM 614305.
Congenital myasthenic syndrome 17. Identifiers: Orphanet 590, MedGen C4225377, MONDO:0014578, OMIM 616304.

Allele frequency attached by ClinVar (database versions not stated): gnomAD exomes below 0.00001 and 0.00002; ExAC 0.00001; gnomAD 0.00001; TOPMed 0.00001.
gnomAD v4.1: 35 of 1,614,098 alleles (0.0022%); highest among the groups gnomAD compares: Non-Finnish European, 0.003%; no homozygotes.

Submissions (2):

Mayo Clinic Laboratories, Mayo Clinic
Classification: Uncertain significance. Last evaluated: 2025-08-16. Review status: criteria provided, single submitter. Criteria: ACMG Guidelines, 2015. Collection method: clinical testing. Allele origin: germline. Observed: 1 variant allele.

Labcorp Genetics (formerly Invitae), Labcorp
Classification: Uncertain significance for Cenani-Lenz syndactyly syndrome; Sclerosteosis 2; Congenital myasthenic syndrome 17. Last evaluated: 2022-06-27. Review status: criteria provided, single submitter. Criteria: Invitae Variant Classification Sherloc (09022015). Collection method: clinical testing. Allele origin: germline.
Comment: In summary, the available evidence is currently insufficient to determine the role of this variant in disease. Therefore, it has been classified as a Variant of Uncertain Significance. Algorithms developed to predict the effect of missense changes on protein structure and function are either unavailable or do not agree on the potential impact of this missense change (SIFT: "Deleterious"; PolyPhen-2: "Benign"; Align-GVGD: "Class C25"). This variant has not been reported in the literature in individuals affected with LRP4-related conditions. This variant is not present in population databases (gnomAD no frequency). This sequence change replaces valine, which is neutral and non-polar, with leucine, which is neutral and non-polar, at codon 1478 of the LRP4 protein (p.Val1478Leu).